The following is an entry in ClinVar:

ClinVar aggregate classification (germline): Conflicting classifications of pathogenicity. Review status: criteria provided, conflicting classifications (1 of 4 stars). 2 submissions from 2 submitters: Uncertain significance (1); Likely benign (1). Last evaluated 2023-07-08.

Conditions:
Inborn genetic diseases. Identifiers: MedGen C0950123, MeSH D030342.

Submissions (2):

Labcorp Genetics (formerly Invitae), Labcorp
Classification: Uncertain significance. Last evaluated: 2023-07-08. Review status: criteria provided, single submitter. Criteria: Invitae Variant Classification Sherloc (09022015). Collection method: clinical testing. Allele origin: germline.
Comment: In summary, the available evidence is currently insufficient to determine the role of this variant in disease. Therefore, it has been classified as a Variant of Uncertain Significance. Algorithms developed to predict the effect of missense changes on protein structure and function output the following: SIFT: "Not Available"; PolyPhen-2: "Benign"; Align-GVGD: "Not Available". The leucine amino acid residue is found in multiple mammalian species, which suggests that this missense change does not adversely affect protein function. ClinVar contains an entry for this variant (Variation ID: 1994078). This variant has not been reported in the literature in individuals affected with CDH2-related conditions. This variant is not present in population databases (gnomAD no frequency). This sequence change replaces valine, which is neutral and non-polar, with leucine, which is neutral and non-polar, at codon 309 of the CDH2 protein (p.Val309Leu).

Ambry Genetics
Classification: Likely benign for Inborn genetic diseases. Last evaluated: 2022-08-16. Review status: criteria provided, single submitter. Criteria: Ambry Variant Classification Scheme 2023. Collection method: clinical testing. Allele origin: germline.

NM_001792.5(CDH2):c.925G>C (p.Val309Leu)

Gene: CDH2 (cadherin 2; minus strand). Cytogenetic location: 18q12.1.
Variant type: single nucleotide variant.
Coding change: c.925G>C on transcript NM_001792.5 (MANE Select); coding-DNA position 925, G replaced by C.
Protein change: p.Val309Leu; replaces valine 309 with leucine.
Molecular consequence: missense variant.
Genome position (GRCh38, 1-based): chr18:28,003,092, C>G on the plus strand (G>C on the coding strand, the complement: CDH2 is on the minus strand). VCF-style: chr18-28003092-C-G. GRCh37 (hg19) VCF-style: chr18-25583056-C-G.
Other names: c.832G>C, p.Val278Leu (NM_001308176.2); short protein forms V278L, V309L.
Identifiers: ClinVar variation 1994078 (VCV001994078.5), dbSNP rs146668864, ClinGen allele CA402242864.